The following is an entry in ClinVar:

ClinVar aggregate classification (germline): Likely benign. Review status: criteria provided, single submitter (1 of 4 stars). 2 submissions from 2 submitters: Likely benign (1). 1 of the submissions does not count toward it. Last evaluated 2024-01-24.

Conditions:
PKD2-related disorder. Also called: PKD2-related condition.
Autosomal dominant polycystic kidney disease. Identifiers: Orphanet 730, MedGen C0085413, MONDO:0004691.

Allele frequency attached by ClinVar (database versions not stated): gnomAD exomes 0.00001.
gnomAD v4.1: 9 of 1,614,004 alleles (0.00056%); highest among the groups gnomAD compares: Non-Finnish European, 0.00076%; no homozygotes.

Submissions (3):

Labcorp Genetics (formerly Invitae), Labcorp
Classification: Likely benign for Autosomal dominant polycystic kidney disease. Last evaluated: 2024-01-24. Review status: criteria provided, single submitter. Criteria: Invitae Variant Classification Sherloc (09022015). Collection method: clinical testing. Allele origin: germline.

PreventionGenetics, part of Exact Sciences
Classification: Likely benign for PKD2-related condition. Last evaluated: 2019-04-18. Review status: no assertion criteria provided. Collection method: clinical testing. Allele origin: germline. Not counted in ClinVar's aggregate classification.
Comment: This variant is classified as likely benign based on ACMG/AMP sequence variant interpretation guidelines (Richards et al. 2015 PMID: 25741868, with internal and published modifications).

Dr. Peter K. Rogan Lab, Western University
No classification provided (evidence only). Condition: Malignant tumor of esophagus. Review status: no classification provided. Collection method: in vitro. Allele origin: not applicable. Functional consequence: retained intron. Not counted in ClinVar's aggregate classification.

NM_000297.4(PKD2):c.844-6T>A

Gene: PKD2 (polycystin 2, transient receptor potential cation channel; plus strand). Cytogenetic location: 4q22.1.
Variant type: single nucleotide variant.
Coding change: c.844-6T>A on transcript NM_000297.4 (MANE Select); 6 bases into the intron before coding-DNA position 844, T replaced by A.
Molecular consequence: intron variant.
Genome position (GRCh38, 1-based): chr4:88,038,245, T>A. VCF-style: chr4-88038245-T-A. GRCh37 (hg19) VCF-style: chr4-88959397-T-A.
Other names: c.844-6T>A (NM_000297.3).
Identifiers: ClinVar variation 2171369 (VCV002171369.7), dbSNP rs879748605, ClinGen allele CA100891367.
Genomic context (GRCh38, chr4:88,038,245, plus strand): 5'-ATGCAGGCAGGGGCAAGACAGCGGCTGAGCTTGGAACTTTTTCAGAGATGTTTCCTTTGC[T>A]TTTAGTTCACAGAAGGCTCCTTATTGGATGGGCTGTACTGGAAGATGCAGCCCAGCAACC-3'